The following is an entry in ClinVar:

ClinVar aggregate classification (germline): Benign/Likely benign. Review status: criteria provided, multiple submitters, no conflicts (2 of 4 stars). 3 submissions from 3 submitters: Benign (2); Likely benign (1). Last evaluated 2025-08-01.

Allele frequency attached by ClinVar (database versions not stated): 1000 Genomes Project 30x 0.00094; 1000 Genomes Project 0.00100; gnomAD exomes 0.00165; gnomAD 0.00181 and 0.00184; TOPMed 0.00189; ESP Exome Variant Server 0.00277; ExAC 0.00333.
gnomAD v4.1: 4,590 of 1,597,166 alleles (0.29%); highest among the groups gnomAD compares: Non-Finnish European, 0.36%; 5 homozygotes.

Submissions (3):

CeGaT Center for Human Genetics Tuebingen
Classification: Likely benign. Last evaluated: 2025-08-01. Review status: criteria provided, single submitter. Criteria: CeGaT Center For Human Genetics Tuebingen Variant Classification Criteria Version 2. Collection method: clinical testing. Allele origin: germline. Affected: yes. Observed: 1 variant allele.
Comment: CELF4: BP4, BP7

Labcorp Genetics (formerly Invitae), Labcorp
Classification: Benign. Last evaluated: 2018-08-03. Review status: criteria provided, single submitter. Criteria: Invitae Variant Classification Sherloc (09022015). Collection method: clinical testing. Allele origin: germline.

Breakthrough Genomics
Classification: Benign. Review status: criteria provided, single submitter. Criteria: ACMG Guidelines, 2015. Collection method: not provided. Allele origin: germline. Inheritance: Unknown mechanism. Affected: yes.

NM_020180.4(CELF4):c.1143C>T (p.Ala381=)

Gene: CELF4 (CUGBP Elav-like family member 4; minus strand). Cytogenetic location: 18q12.2.
Variant type: single nucleotide variant.
Coding change: c.1143C>T on transcript NM_020180.4 (MANE Select); coding-DNA position 1143, C replaced by T.
Protein change: p.Ala381=; no amino-acid change (alanine 381 retained).
Molecular consequence: synonymous variant. On other transcripts: non-coding transcript variant (11).
Genome position (GRCh38, 1-based): chr18:37,266,555, G>A on the plus strand (C>T on the coding strand, the complement: CELF4 is on the minus strand). VCF-style: chr18-37266555-G-A. GRCh37 (hg19) VCF-style: chr18-34846518-G-A.
Other names: c.1140C>T, p.Ala380= (NM_001025087.2, NM_001330603.2, NM_001353696.2 and 12 more transcripts); c.1137C>T, p.Ala379= (NM_001025088.2, NM_001353702.2, NM_001353712.2 and 2 more transcripts); c.1113C>T, p.Ala371= (NM_001025089.2, NM_001353700.2, NM_001353703.2 and 6 more transcripts); c.1110C>T, p.Ala370= (NM_001353695.2, NM_001353697.2, NM_001353699.2 and 14 more transcripts); c.1107C>T, p.Ala369= (NM_001353705.2, NM_001353706.2, NM_001353711.2 and 5 more transcripts); c.1143C>T, p.Ala381= (NM_001353708.2, NM_001353724.2, NM_001353731.2 and 6 more transcripts); c.771C>T, p.Ala257= (NM_001353756.2, NM_001353761.2); c.744C>T, p.Ala248= (NM_001353757.2, NM_001353760.2); and 1 more.
Identifiers: ClinVar variation 718289 (VCV000718289.12), dbSNP rs145042940, ClinGen allele CA8943466.